The following is an entry in ClinVar:

NM_024422.6(DSC2):c.1564G>A (p.Glu522Lys)

Gene: DSC2 (desmocollin 2; minus strand). Cytogenetic location: 18q12.1.
Variant type: single nucleotide variant.
Coding change: c.1564G>A on transcript NM_024422.6 (MANE Select); coding-DNA position 1564, G replaced by A.
Protein change: p.Glu522Lys; replaces glutamic acid 522 with lysine.
Molecular consequence: missense variant.
Genome position (GRCh38, 1-based): chr18:31,079,946, C>T on the plus strand (G>A on the coding strand, the complement: DSC2 is on the minus strand). VCF-style: chr18-31079946-C-T. GRCh37 (hg19) VCF-style: chr18-28659912-C-T.
Other names: c.1135G>A, p.Glu379Lys (NM_001406506.1, NM_001406507.1); c.1564G>A, p.Glu522Lys (NM_004949.5); short protein forms E522K, E379K.
Identifiers: ClinVar variation 2775180 (VCV002775180.2), dbSNP rs867968395, ClinGen allele CA297636927.

ClinVar aggregate classification (germline): Uncertain significance (1 of 4 stars; one submission).

Conditions:
Cardiomyopathy (CMYO). Also called: Cardiomyopathies. Identifiers: Orphanet 167848, MedGen C0878544, MONDO:0004994, HP:0001638. Inheritance: Various modes of inheritance.

Submission:

Color Diagnostics, LLC DBA Color Health
Classification: Uncertain significance for Cardiomyopathy. Last evaluated: 2021-11-15. Review status: criteria provided, single submitter. Criteria: ACMG Guidelines, 2015. Collection method: clinical testing. Allele origin: germline.
Comment: This missense variant replaces glutamic acid with lysine at codon 522 of the DSC2 protein. Computational prediction suggests that this variant may not impact protein structure and function (internally defined REVEL score threshold <= 0.5, PMID: 27666373). To our knowledge, functional studies have not been reported for this variant. This variant has not been reported in individuals affected with cardiovascular disorders in the literature. This variant has not been identified in the general population by the Genome Aggregation Database (gnomAD). The available evidence is insufficient to determine the role of this variant in disease conclusively. Therefore, this variant is classified as a Variant of Uncertain Significance.